The following is an entry in ClinVar:

NM_002291.3(LAMB1):c.3227C>T (p.Ala1076Val)

Gene: LAMB1 (laminin subunit beta 1; minus strand). Cytogenetic location: 7q31.1.
Variant type: single nucleotide variant.
Coding change: c.3227C>T on transcript NM_002291.3 (MANE Select); coding-DNA position 3227, C replaced by T.
Protein change: p.Ala1076Val; replaces alanine 1076 with valine.
Molecular consequence: missense variant.
Genome position (GRCh38, 1-based): chr7:107,952,076, G>A on the plus strand (C>T on the coding strand, the complement: LAMB1 is on the minus strand). VCF-style: chr7-107952076-G-A. GRCh37 (hg19) VCF-style: chr7-107592521-G-A.
Other names: short protein forms A1076V.
Identifiers: ClinVar variation 1355257 (VCV001355257.6), dbSNP rs141879608, ClinGen allele CA4435399.

ClinVar aggregate classification (germline): Uncertain significance (1 of 4 stars; one submission).

Allele frequency attached by ClinVar (database versions not stated): TOPMed 0.00003; gnomAD exomes 0.00004 and 0.00005; gnomAD 0.00005; ExAC 0.00008; ESP Exome Variant Server 0.00008.
gnomAD v4.1: 70 of 1,613,924 alleles (0.0043%); highest among the groups gnomAD compares: Admixed American, 0.0083%; no homozygotes.

Submission:

Labcorp Genetics (formerly Invitae), Labcorp
Classification: Uncertain significance. Last evaluated: 2024-02-05. Review status: criteria provided, single submitter. Criteria: Invitae Variant Classification Sherloc (09022015). Collection method: clinical testing. Allele origin: germline.
Comment: This sequence change replaces alanine, which is neutral and non-polar, with valine, which is neutral and non-polar, at codon 1076 of the LAMB1 protein (p.Ala1076Val). This variant is present in population databases (rs141879608, gnomAD 0.009%). This variant has not been reported in the literature in individuals affected with LAMB1-related conditions. ClinVar contains an entry for this variant (Variation ID: 1355257). An algorithm developed to predict the effect of missense changes on protein structure and function (PolyPhen-2) suggests that this variant is likely to be disruptive. In summary, the available evidence is currently insufficient to determine the role of this variant in disease. Therefore, it has been classified as a Variant of Uncertain Significance.